The following is an entry in ClinVar:

ClinVar aggregate classification (germline): Uncertain significance. Review status: criteria provided, single submitter (1 of 4 stars). 2 submissions from 2 submitters: Uncertain significance (1). 1 of the submissions does not count toward it. Last evaluated 2025-06-16.

Conditions:
Interstitial lung disease due to ABCA3 deficiency. Also called: PULMONARY ALVEOLAR PROTEINOSIS, CONGENITAL, 3. Identifiers: Orphanet 440402, MedGen C1970456, MONDO:0012582, OMIM 610921.

Allele frequency attached by ClinVar (database versions not stated): TOPMed below 0.00001; gnomAD 0.00001; gnomAD exomes 0.00001.

Submissions (2):

Labcorp Genetics (formerly Invitae), Labcorp
Classification: Uncertain significance. Last evaluated: 2025-06-16. Review status: criteria provided, single submitter. Criteria: Invitae Variant Classification Sherloc (09022015). Collection method: clinical testing. Allele origin: germline.
Comment: This sequence change replaces leucine, which is neutral and non-polar, with phenylalanine, which is neutral and non-polar, at codon 1105 of the ABCA3 protein (p.Leu1105Phe). This variant is present in population databases (no rsID available, gnomAD 0.008%). This variant has not been reported in the literature in individuals affected with ABCA3-related conditions. ClinVar contains an entry for this variant (Variation ID: 1383929). Invitae Evidence Modeling of protein sequence and biophysical properties (such as structural, functional, and spatial information, amino acid conservation, physicochemical variation, residue mobility, and thermodynamic stability) indicates that this missense variant is not expected to disrupt ABCA3 protein function with a negative predictive value of 80%. In summary, the available evidence is currently insufficient to determine the role of this variant in disease. Therefore, it has been classified as a Variant of Uncertain Significance.

Seattle Children's Hospital Molecular Genetics Laboratory, Seattle Children's Hospital
Classification: Uncertain significance for Interstitial lung disease due to ABCA3 deficiency. Review status: no assertion criteria provided. Collection method: clinical testing. Allele origin: somatic. Affected: yes. Not counted in ClinVar's aggregate classification.

NM_001089.3(ABCA3):c.3313C>T (p.Leu1105Phe)

Gene: ABCA3 (ATP binding cassette subfamily A member 3; minus strand). Cytogenetic location: 16p13.3.
Variant type: single nucleotide variant.
Coding change: c.3313C>T on transcript NM_001089.3 (MANE Select); coding-DNA position 3313, C replaced by T.
Protein change: p.Leu1105Phe; replaces leucine 1105 with phenylalanine.
Molecular consequence: missense variant.
Genome position (GRCh38, 1-based): chr16:2,285,612, G>A on the plus strand (C>T on the coding strand, the complement: ABCA3 is on the minus strand). VCF-style: chr16-2285612-G-A. GRCh37 (hg19) VCF-style: chr16-2335613-G-A.
Other names: c.3313C>T (NM_001089.2); short protein forms L1105F.
Identifiers: ClinVar variation 1383929 (VCV001383929.6), dbSNP rs1264428481, ClinGen allele CA394317365.